The following is an entry in ClinVar:

NC_000001.10:g.(?_180601338)_(180794500_?)dup

Gene: XPR1 (xenotropic and polytropic retrovirus receptor 1; plus strand). Cytogenetic location: 1q25.3.
Variant type: Duplication.
Identifiers: ClinVar variation 2425214 (VCV002425214.4).

ClinVar aggregate classification (germline): Uncertain significance (1 of 4 stars; one submission).

Submission:

Labcorp Genetics (formerly Invitae), Labcorp
Classification: Uncertain significance. Last evaluated: 2022-02-18. Review status: criteria provided, single submitter. Criteria: Invitae Variant Classification Sherloc (09022015). Collection method: clinical testing. Allele origin: germline.
Comment: In summary, the available evidence is currently insufficient to determine the role of this variant in disease. Therefore, it has been classified as a Variant of Uncertain Significance. This variant has not been reported in the literature in individuals affected with XPR1-related conditions. This variant results in a copy number gain of the genomic region encompassing exon(s) 1-9 of the XPR1 gene. This region includes the initiator codon of the gene. This copy number gain extends beyond the assayed region for this gene and therefore may encompass additional genes. As the precise location of this event is unknown, it may be in tandem or it may be located elsewhere in the genome.